The following is an entry in ClinVar:

ClinVar aggregate classification (germline): Uncertain significance (1 of 4 stars; one submission).

Submission:

Labcorp Genetics (formerly Invitae), Labcorp
Classification: Uncertain significance. Last evaluated: 2023-07-13. Review status: criteria provided, single submitter. Criteria: Invitae Variant Classification Sherloc (09022015). Collection method: clinical testing. Allele origin: germline.
Comment: This sequence change replaces alanine, which is neutral and non-polar, with serine, which is neutral and polar, at codon 880 of the ATR protein (p.Ala880Ser). This variant is not present in population databases (gnomAD no frequency). This variant has not been reported in the literature in individuals affected with ATR-related conditions. An algorithm developed to predict the effect of missense changes on protein structure and function (PolyPhen-2) suggests that this variant is likely to be tolerated. In summary, the available evidence is currently insufficient to determine the role of this variant in disease. Therefore, it has been classified as a Variant of Uncertain Significance.

NM_001184.4(ATR):c.2638G>T (p.Ala880Ser)

Gene: ATR (ATR checkpoint kinase; minus strand). Cytogenetic location: 3q23.
Variant type: single nucleotide variant.
Coding change: c.2638G>T on transcript NM_001184.4 (MANE Select); coding-DNA position 2638, G replaced by T.
Protein change: p.Ala880Ser; replaces alanine 880 with serine.
Molecular consequence: missense variant.
Genome position (GRCh38, 1-based): chr3:142,553,394, C>A on the plus strand (G>T on the coding strand, the complement: ATR is on the minus strand). VCF-style: chr3-142553394-C-A. GRCh37 (hg19) VCF-style: chr3-142272236-C-A.
Other names: c.2446G>T, p.Ala816Ser (NM_001354579.2); short protein forms A816S, A880S.
Identifiers: ClinVar variation 2905320 (VCV002905320.3), dbSNP rs367864862, ClinGen allele CA354814943.